The following is an entry in ClinVar:

NM_032043.3(BRIP1):c.777dup (p.Thr260fs)

Gene: BRIP1 (BRCA1 interacting DNA helicase 1; minus strand). Cytogenetic location: 17q23.2.
Variant type: Duplication.
Coding change: c.777dup on transcript NM_032043.3 (MANE Select); coding-DNA position 777, one base duplicated (T; older notation c.777dupT).
Protein change: p.Thr260fs; shifts the reading frame from threonine 260.
Molecular consequence: frameshift variant.
Genome position (GRCh38, 1-based): chr17:61,808,608, A duplicated on the plus strand (T on the coding strand, the reverse complement: BRIP1 is on the minus strand); the first of 2 consecutive A bases (chr17:61,808,608-61,808,609); duplicating either gives the same sequence. VCF-style (leftmost placement, unchanged base first): chr17-61808607-T-TA. GRCh37 (hg19) VCF-style: chr17-59885968-T-TA.
Other names: c.777dupT (NM_032043.2); short protein forms T260fs.
Identifiers: ClinVar variation 461049 (VCV000461049.15), dbSNP rs1555609254, ClinGen allele CA658658679.

ClinVar aggregate classification (germline): Pathogenic. Review status: criteria provided, multiple submitters, no conflicts (2 of 4 stars). 3 submissions from 3 submitters: Pathogenic (3). Last evaluated 2024-12-12.

Conditions:
Fanconi anemia complementation group J. Also called: BRIP1-Related Fanconi Anemia. Identifiers: Orphanet 84, MedGen C1836860, MONDO:0012187, OMIM 609054.
Familial cancer of breast. Also called: BREAST CANCER, FAMILIAL; hereditary breast carcinoma; Hereditary breast cancer. Identifiers: Orphanet 227535, MedGen C0346153, MONDO:0016419, OMIM 114480. Disease mechanism: loss of function.

Submissions (3):

Labcorp Genetics (formerly Invitae), Labcorp
Classification: Pathogenic for Familial cancer of breast; Fanconi anemia complementation group J. Last evaluated: 2024-12-12. Review status: criteria provided, single submitter. Criteria: Invitae Variant Classification Sherloc (09022015). Collection method: clinical testing. Allele origin: germline.
Comment: This sequence change creates a premature translational stop signal (p.Thr260Tyrfs*2) in the BRIP1 gene. It is expected to result in an absent or disrupted protein product. Loss-of-function variants in BRIP1 are known to be pathogenic (PMID: 16116423, 17033622, 21964575). This variant is not present in population databases (gnomAD no frequency). This premature translational stop signal has been observed in individual(s) with ovarian cancer (PMID: 26315354). This variant is also known as c.778insT, p.T260fs. ClinVar contains an entry for this variant (Variation ID: 461049). For these reasons, this variant has been classified as Pathogenic.

Myriad Genetics, Inc.
Classification: Pathogenic for Familial cancer of breast. Last evaluated: 2023-05-31. Review status: criteria provided, single submitter. Criteria: Myriad Autosomal Dominant, Autosomal Recessive and X-Linked Classification Criteria (2023). Collection method: clinical testing. Allele origin: unknown.
Comment: This variant is considered pathogenic. This variant creates a frameshift predicted to result in premature protein truncation.

Baylor Genetics
Classification: Pathogenic for Familial cancer of breast. Last evaluated: 2021-05-06. Review status: criteria provided, single submitter. Criteria: ACMG Guidelines, 2015. Collection method: clinical testing. Allele origin: unknown.

Literature cited by the submitters: PubMed 16116423 (cited by Labcorp Genetics (formerly Invitae), Labcorp); PubMed 17033622 (cited by Labcorp Genetics (formerly Invitae), Labcorp); PubMed 21964575 (cited by Labcorp Genetics (formerly Invitae), Labcorp); PubMed 26315354 (cited by Labcorp Genetics (formerly Invitae), Labcorp).